The following is an entry in ClinVar:

ClinVar aggregate classification (germline): Uncertain significance (1 of 4 stars; one submission).

Conditions:
Ehlers-Danlos syndrome, classic type, 1 (EDSCL1). Also called: EHLERS-DANLOS SYNDROME, GRAVIS TYPE; EHLERS-DANLOS SYNDROME, SEVERE CLASSIC TYPE; Ehlers-Danlos syndrome, type 1; Ehlers-Danlos Syndrome, Classic Type, COL5A1-Related; EDS I. Identifiers: MedGen C0268335, MONDO:0019567, OMIM 130000.
Osteogenesis imperfecta type I (OI1). Also called: OI, TYPE I; OSTEOGENESIS IMPERFECTA TARDA; OSTEOGENESIS IMPERFECTA WITH BLUE SCLERAE; Osteogenesis imperfecta type 1; Lobstein's Disease; Lobstein disease. Identifiers: Orphanet 216796, Orphanet 666, MedGen C0023931, MONDO:0008146, OMIM 166200. Disease mechanism: loss of function.

gnomAD v4.1: 5 of 1,588,710 alleles (0.00031%); highest among the groups gnomAD compares: Non-Finnish European, 0.00043%; no homozygotes.

Submission:

Labcorp Genetics (formerly Invitae), Labcorp
Classification: Uncertain significance for Osteogenesis imperfecta type I; Ehlers-Danlos syndrome, classic type, 1. Last evaluated: 2025-09-06. Review status: criteria provided, single submitter. Criteria: Invitae Variant Classification Sherloc (09022015). Collection method: clinical testing. Allele origin: germline.
Comment: This sequence change replaces proline, which is neutral and non-polar, with leucine, which is neutral and non-polar, at codon 90 of the COL1A2 protein (p.Pro90Leu). This variant is not present in population databases (gnomAD no frequency). This variant has not been reported in the literature in individuals affected with COL1A2-related conditions. Invitae Evidence Modeling of protein sequence and biophysical properties (such as structural, functional, and spatial information, amino acid conservation, physicochemical variation, residue mobility, and thermodynamic stability) has been performed for this missense variant. However, the output from this modeling did not meet the statistical confidence thresholds required to predict the impact of this variant on COL1A2 protein function. In summary, the available evidence is currently insufficient to determine the role of this variant in disease. Therefore, it has been classified as a Variant of Uncertain Significance.

NM_000089.4(COL1A2):c.269C>T (p.Pro90Leu)

Gene: COL1A2 (collagen type I alpha 2 chain; plus strand). Cytogenetic location: 7q21.3.
Variant type: single nucleotide variant.
Coding change: c.269C>T on transcript NM_000089.4 (MANE Select); coding-DNA position 269, C replaced by T.
Protein change: p.Pro90Leu; replaces proline 90 with leucine.
Molecular consequence: missense variant.
Genome position (GRCh38, 1-based): chr7:94,401,610, C>T. VCF-style: chr7-94401610-C-T. GRCh37 (hg19) VCF-style: chr7-94030922-C-T.
Other names: short protein forms P90L.
Identifiers: ClinVar variation 4794960 (VCV004794960.1).